The following is an entry in ClinVar:

NM_172107.4(KCNQ2):c.2108C>T (p.Ala703Val)

Gene: KCNQ2 (potassium voltage-gated channel subfamily Q member 2; minus strand). Cytogenetic location: 20q13.33.
Variant type: single nucleotide variant.
Coding change: c.2108C>T on transcript NM_172107.4 (MANE Select); coding-DNA position 2108, C replaced by T.
Protein change: p.Ala703Val; replaces alanine 703 with valine.
Molecular consequence: missense variant.
Genome position (GRCh38, 1-based): chr20:63,407,155, G>A on the plus strand (C>T on the coding strand, the complement: KCNQ2 is on the minus strand). VCF-style: chr20-63407155-G-A. GRCh37 (hg19) VCF-style: chr20-62038508-G-A.
Other names: c.2162C>T, p.Ala721Val (NM_001382235.1); c.2024C>T, p.Ala675Val (NM_004518.6); c.2054C>T, p.Ala685Val (NM_172106.3); c.2015C>T, p.Ala672Val (NM_172108.5); short protein forms A675V, A672V, A685V, A703V, A721V.
Identifiers: ClinVar variation 1434142 (VCV001434142.11), dbSNP rs779430808, ClinGen allele CA9958151.

ClinVar aggregate classification (germline): Uncertain significance. Review status: criteria provided, multiple submitters, no conflicts (2 of 4 stars). 4 submissions from 4 submitters: Uncertain significance (4). Last evaluated 2025-04-30.

Conditions:
Inborn genetic diseases. Identifiers: MedGen C0950123, MeSH D030342.
Early-infantile DEE. Also called: Early infantile epileptic encephalopathy with suppression bursts; Early infantile epileptic encephalopathy; Ohtahara syndrome. Identifiers: Orphanet 1934, MedGen C0393706, MONDO:0800491.
Developmental and epileptic encephalopathy, 7 (DEE7). Also called: Early infantile epileptic encephalopathy 7; KCNQ2-Related Neonatal-Onset Developmental and Epileptic Encephalopathy (NEO-DEE); KCNQ2-Related Neonatal Epileptic Encephalopathy. Identifiers: Orphanet 439218, MedGen C3150986, MONDO:0013387, OMIM 613720.

Allele frequency attached by ClinVar (database versions not stated): TOPMed 0.00002; ExAC 0.00006; gnomAD 0.00001; gnomAD exomes 0.00001 and 0.00002.
gnomAD v4.1: 19 of 1,589,194 alleles (0.0012%); highest among the groups gnomAD compares: African/African-American, 0.012%; no homozygotes.

Submissions (4):

Labcorp Genetics (formerly Invitae), Labcorp
Classification: Uncertain significance for Early-infantile DEE. Last evaluated: 2025-04-30. Review status: criteria provided, single submitter. Criteria: Invitae Variant Classification Sherloc (09022015). Collection method: clinical testing. Allele origin: germline.
Comment: This sequence change replaces alanine, which is neutral and non-polar, with valine, which is neutral and non-polar, at codon 703 of the KCNQ2 protein (p.Ala703Val). The frequency data for this variant in the population databases is considered unreliable, as metrics indicate poor data quality at this position in the gnomAD database. This missense change has been observed in individual(s) with epilepsy (PMID: 31069529). ClinVar contains an entry for this variant (Variation ID: 1434142). Invitae Evidence Modeling of protein sequence and biophysical properties (such as structural, functional, and spatial information, amino acid conservation, physicochemical variation, residue mobility, and thermodynamic stability) has been performed for this missense variant. However, the output from this modeling did not meet the statistical confidence thresholds required to predict the impact of this variant on KCNQ2 protein function. In summary, the available evidence is currently insufficient to determine the role of this variant in disease. Therefore, it has been classified as a Variant of Uncertain Significance.

Revvity Omics, Revvity
Classification: Uncertain significance. Last evaluated: 2024-02-09. Review status: criteria provided, single submitter. Criteria: ACMG Guidelines, 2015. Collection method: clinical testing. Allele origin: germline.

Neuberg Centre For Genomic Medicine, NCGM
Classification: Uncertain significance for Developmental and epileptic encephalopathy, 7. Last evaluated: 2023-03-01. Review status: criteria provided, single submitter. Criteria: ACMG Guidelines, 2015. Collection method: clinical testing. Allele origin: germline. Inheritance: Autosomal recessive inheritance. Affected: yes.
Comment: The missense variant c.2108C>T (p.Ala703Val) in the KCNQ2 gene has not been reported previously as a pathogenic variant nor as a benign variant, to our knowledge. This variant is reported with the allele frequency (0.002%) in the gnomAD Exomes and novel in 1000 Genomes. This variant has been reported to the ClinVar database as Uncertain Significance. However, no details are available for independent assessment. The amino acid Alanine at position 703 is changed to a Valine changing protein sequence and it might alter its composition and physico- chemical properties. The variant is predicted as damaging by SIFT. The amino acid change p.Ala703Val in KCNQ2 is predicted as conserved by GERP++ and PhyloP across 100 vertebrates. For these reasons, this variant has been classified as Uncertain Significance.

Ambry Genetics
Classification: Uncertain significance for Inborn genetic diseases. Last evaluated: 2018-04-03. Review status: criteria provided, single submitter. Criteria: Ambry Variant Classification Scheme 2023. Collection method: clinical testing. Allele origin: germline.
Comment: The p.A703V variant (also known as c.2108C>T), located in coding exon 17 of the KCNQ2 gene, results from a C to T substitution at nucleotide position 2108. The alanine at codon 703 is replaced by valine, an amino acid with similar properties. This amino acid position is well conserved in available vertebrate species; however, valine is the reference amino acid in other vertebrate species. In addition, the in silico prediction for this alteration is inconclusive. Since supporting evidence is limited at this time, the clinical significance of this alteration remains unclear.

Literature cited by the submitters: PubMed 31069529 (cited by Labcorp Genetics (formerly Invitae), Labcorp).